The following is an entry in ClinVar:

ClinVar aggregate classification (germline): Uncertain significance (1 of 4 stars; one submission).

Submission:

GeneDx
Classification: Uncertain significance. Last evaluated: 2026-02-08. Review status: criteria provided, single submitter. Criteria: GeneDx Variant Classification Process June 2021. Collection method: clinical testing. Allele origin: germline.
Comment: Not observed at significant frequency in large population cohorts (gnomAD); In silico analysis suggests that this missense variant does not alter protein structure/function; Has not been previously published as pathogenic or benign to our knowledge

NM_153252.5(BRWD3):c.5243A>C (p.Lys1748Thr)

Gene: BRWD3 (bromodomain and WD repeat domain containing 3; minus strand). Cytogenetic location: Xq21.1.
Variant type: single nucleotide variant.
Coding change: c.5243A>C on transcript NM_153252.5 (MANE Select); coding-DNA position 5243, A replaced by C.
Protein change: p.Lys1748Thr; replaces lysine 1748 with threonine.
Molecular consequence: missense variant.
Genome position (GRCh38, 1-based): chrX:80,676,775, T>G on the plus strand (A>C on the coding strand, the complement: BRWD3 is on the minus strand). VCF-style: chrX-80676775-T-G. GRCh37 (hg19) VCF-style: chrX-79932274-T-G.
Other names: c.5093A>C, p.Lys1698Thr (NM_001441339.1); short protein forms K1698T, K1748T.
Identifiers: ClinVar variation 4976438 (VCV004976438.1).